The following is an entry in ClinVar:

ClinVar aggregate classification (germline): Uncertain significance. Review status: criteria provided, multiple submitters, no conflicts (2 of 4 stars). 2 submissions from 2 submitters: Uncertain significance (2). Last evaluated 2025-09-02.

Conditions:
Inborn genetic diseases. Identifiers: MedGen C0950123, MeSH D030342.
Hereditary spastic paraplegia 30. Identifiers: Orphanet 101010, MedGen C5235139, MONDO:0012476.
Neuropathy, hereditary sensory, type 2C. Also called: Hereditary sensory and autonomic neuropathy type IIC; KIF1A-Related HSAN2 (HSAN2C). Identifiers: Orphanet 970, MedGen C3280168, MONDO:0013634, OMIM 614213.
Intellectual disability, autosomal dominant 9 (NESCAVS). Also called: NESCAV SYNDROME; KIF1A-Related Neurodevelopmental Disorder. Identifiers: Orphanet 662367, MedGen C5393830, MONDO:0013656, OMIM 614255.

Allele frequency attached by ClinVar (database versions not stated): gnomAD exomes 0.00001.
gnomAD v4.1: 10 of 1,611,446 alleles (0.00062%); highest among the groups gnomAD compares: Middle Eastern, 0.033%; no homozygotes.

Submissions (2):

Labcorp Genetics (formerly Invitae), Labcorp
Classification: Uncertain significance for Hereditary spastic paraplegia 30; Neuropathy, hereditary sensory, type 2C; Intellectual disability, autosomal dominant 9. Last evaluated: 2025-09-02. Review status: criteria provided, single submitter. Criteria: Invitae Variant Classification Sherloc (09022015). Collection method: clinical testing. Allele origin: germline.
Comment: This sequence change replaces alanine, which is neutral and non-polar, with threonine, which is neutral and polar, at codon 1552 of the KIF1A protein (p.Ala1552Thr). This variant is not present in population databases (gnomAD no frequency). This variant has not been reported in the literature in individuals affected with KIF1A-related conditions. ClinVar contains an entry for this variant (Variation ID: 1421106). Invitae Evidence Modeling of protein sequence and biophysical properties (such as structural, functional, and spatial information, amino acid conservation, physicochemical variation, residue mobility, and thermodynamic stability) indicates that this missense variant is not expected to disrupt KIF1A protein function with a negative predictive value of 95%. In summary, the available evidence is currently insufficient to determine the role of this variant in disease. Therefore, it has been classified as a Variant of Uncertain Significance.

Ambry Genetics
Classification: Uncertain significance for Inborn genetic diseases. Last evaluated: 2023-03-06. Review status: criteria provided, single submitter. Criteria: Ambry Variant Classification Scheme 2023. Collection method: clinical testing. Allele origin: germline.

NM_001244008.2(KIF1A):c.4957G>A (p.Ala1653Thr)

Gene: KIF1A (kinesin family member 1A; minus strand). Cytogenetic location: 2q37.3.
Variant type: single nucleotide variant.
Coding change: c.4957G>A on transcript NM_001244008.2 (MANE Select); coding-DNA position 4957, G replaced by A.
Protein change: p.Ala1653Thr; replaces alanine 1653 with threonine.
Molecular consequence: missense variant.
Genome position (GRCh38, 1-based): chr2:240,719,838, C>T on the plus strand (G>A on the coding strand, the complement: KIF1A is on the minus strand). VCF-style: chr2-240719838-C-T. GRCh37 (hg19) VCF-style: chr2-241659255-C-T.
Other names: c.4681G>A, p.Ala1561Thr (NM_001320705.2, NM_001379649.1); c.4708G>A, p.Ala1570Thr (NM_001330289.2); c.4756G>A, p.Ala1586Thr (NM_001330290.2, NM_001379648.1); c.5032G>A, p.Ala1678Thr (NM_001379631.1); c.4933G>A, p.Ala1645Thr (NM_001379632.1); c.4930G>A, p.Ala1644Thr (NM_001379633.1, NM_001379645.1); c.4783G>A, p.Ala1595Thr (NM_001379634.1); c.4780G>A, p.Ala1594Thr (NM_001379635.1, NM_001379646.1); and 8 more; short protein forms A1552T, A1644T, A1645T, A1653T, A1551T, A1561T, A1569T, A1570T.
Identifiers: ClinVar variation 1421106 (VCV001421106.9), dbSNP rs2045073432, ClinGen allele CA351300447.